The following is an entry in ClinVar:

NM_000548.5(TSC2):c.4635C>T (p.Ile1545=)

Gene: TSC2 (TSC complex subunit 2; plus strand). Cytogenetic location: 16p13.3.
Variant type: single nucleotide variant.
Coding change: c.4635C>T on transcript NM_000548.5 (MANE Select); coding-DNA position 4635, C replaced by T.
Protein change: p.Ile1545=; no amino-acid change (isoleucine 1545 retained).
Molecular consequence: synonymous variant.
Genome position (GRCh38, 1-based): chr16:2,085,295, C>T. VCF-style: chr16-2085295-C-T. GRCh37 (hg19) VCF-style: chr16-2135296-C-T.
Other names: c.4434C>T, p.Ile1478= (NM_001077183.3); c.4566C>T, p.Ile1522= (NM_001114382.3); c.4326C>T, p.Ile1442= (NM_001318827.2); c.4290C>T, p.Ile1430= (NM_001318829.2); c.3903C>T, p.Ile1301= (NM_001318831.2); c.4467C>T, p.Ile1489= (NM_001318832.2); c.4437C>T, p.Ile1479= (NM_001363528.2); c.4503C>T, p.Ile1501= (NM_001370404.1); and 1 more.
Identifiers: ClinVar variation 413701 (VCV000413701.18), dbSNP rs757388437, ClinGen allele CA051978.

ClinVar aggregate classification (germline): Benign/Likely benign. Review status: criteria provided, multiple submitters, no conflicts (2 of 4 stars). 5 submissions from 5 submitters: Benign (2); Likely benign (3). Last evaluated 2025-12-14.

Conditions:
Tuberous sclerosis syndrome (TSC). Also called: Tuberous Sclerosis Complex; Tuberous sclerosis. Identifiers: Orphanet 805, MedGen C0041341, MONDO:0001734.
Hereditary cancer-predisposing syndrome. Also called: Tumor predisposition; Neoplastic Syndromes, Hereditary; Hereditary Cancer Syndrome; Hereditary neoplastic syndrome. Identifiers: Orphanet 140162, MedGen C0027672, MeSH D009386, MONDO:0015356.
Tuberous sclerosis 2 (TSC2). Identifiers: Orphanet 805, MedGen C1860707, MONDO:0013199, OMIM 613254.

Allele frequency attached by ClinVar (database versions not stated): ExAC 0.00001; gnomAD exomes 0.00001.
gnomAD v4.1: 8 of 1,612,748 alleles (0.0005%); highest among the groups gnomAD compares: South Asian, 0.0011%; no homozygotes.

Submissions (5):

Labcorp Genetics (formerly Invitae), Labcorp
Classification: Likely benign for Tuberous sclerosis 2. Last evaluated: 2025-12-14. Review status: criteria provided, single submitter. Criteria: Invitae Variant Classification Sherloc (09022015). Collection method: clinical testing. Allele origin: germline.

Myriad Genetics, Inc.
Classification: Benign for Tuberous sclerosis 2. Last evaluated: 2025-06-04. Review status: criteria provided, single submitter. Criteria: Myriad Autosomal Dominant, Autosomal Recessive and X-Linked Classification Criteria (2023). Collection method: clinical testing. Allele origin: unknown.
Comment: This variant is considered benign. This variant is a silent/synonymous amino acid change and it is not expected to impact splicing.

All of Us Research Program, National Institutes of Health
Classification: Likely benign for Tuberous sclerosis syndrome. Last evaluated: 2023-11-20. Review status: criteria provided, single submitter. Criteria: ACMG Guidelines, 2015. Collection method: clinical testing. Allele origin: germline. Inheritance: Autosomal dominant inheritance. Observed: 1 variant allele, 1 heterozygote.
Comment: This study involves interpretation of variants in research participants for the purpose of population health screening. Participant phenotype was not available at the time of variant classification. Additional details can be found in publication PMID: 35346344, PMCID: PMC8962531

Genome-Nilou Lab
Classification: Benign for Tuberous sclerosis 2. Last evaluated: 2021-11-07. Review status: criteria provided, single submitter. Criteria: ACMG Guidelines, 2015. Collection method: clinical testing. Allele origin: germline. Affected: no.

Ambry Genetics
Classification: Likely benign for Hereditary cancer-predisposing syndrome. Last evaluated: 2017-01-09. Review status: criteria provided, single submitter. Criteria: Ambry Variant Classification Scheme 2023. Collection method: clinical testing. Allele origin: germline.